The following is an entry in ClinVar:

ClinVar aggregate classification (germline): Uncertain significance (1 of 4 stars; one submission).

Conditions:
Tall stature-scoliosis-macrodactyly of the great toes syndrome. Also called: Epiphyseal chondrodysplasia, miura type. Identifiers: Orphanet 329191, MedGen C4014690, MONDO:0014401, OMIM 615923.
Acromesomelic dysplasia 1, Maroteaux type (AMD1). Also called: ST. HELENA DYSPLASIA; ACROMESOMELIC DYSPLASIA 1. Identifiers: Orphanet 40, MedGen C1864356, MONDO:0011275, OMIM 602875.

gnomAD v4.1: 9 of 1,613,964 alleles (0.00056%); highest among the groups gnomAD compares: Middle Eastern, 0.017%; no homozygotes.

Submission:

Labcorp Genetics (formerly Invitae), Labcorp
Classification: Uncertain significance for Tall stature-scoliosis-macrodactyly of the great toes syndrome; Acromesomelic dysplasia 1, Maroteaux type. Last evaluated: 2025-05-21. Review status: criteria provided, single submitter. Criteria: Invitae Variant Classification Sherloc (09022015). Collection method: clinical testing. Allele origin: germline.
Comment: This sequence change replaces methionine, which is neutral and non-polar, with threonine, which is neutral and polar, at codon 330 of the NPR2 protein (p.Met330Thr). This variant is present in population databases (rs778020322, gnomAD 0.006%). This variant has not been reported in the literature in individuals affected with NPR2-related conditions. An algorithm developed to predict the effect of missense changes on protein structure and function (PolyPhen-2) suggests that this variant is likely to be tolerated. In summary, the available evidence is currently insufficient to determine the role of this variant in disease. Therefore, it has been classified as a Variant of Uncertain Significance.

NM_003995.4(NPR2):c.989T>C (p.Met330Thr)

Gene: NPR2 (natriuretic peptide receptor 2; plus strand). Cytogenetic location: 9p13.3.
Variant type: single nucleotide variant.
Coding change: c.989T>C on transcript NM_003995.4 (MANE Select); coding-DNA position 989, T replaced by C.
Protein change: p.Met330Thr; replaces methionine 330 with threonine.
Molecular consequence: missense variant.
Genome position (GRCh38, 1-based): chr9:35,800,023, T>C. VCF-style: chr9-35800023-T-C. GRCh37 (hg19) VCF-style: chr9-35800020-T-C.
Other names: c.989T>C, p.Met330Thr (NM_001378923.1); short protein forms M330T.
Identifiers: ClinVar variation 4789055 (VCV004789055.1).
Genomic context (GRCh38, chr9:35,800,023, plus strand): 5'-GAGAGGGGAAGGGGCCTTGCAGGACATTTGGAGAGTACTGCTGAAGTTGCCACCCCCAGA[T>C]GAACCTCATCGCTGGCTGCTTCTATGATGGGATCCTGCTATATGCTGAAGTCCTGAATGA-3'
Protein context (NP_003986.2, residues 320-340): DFGVELGPSL[Met330Thr]NLIAGCFYDG